The following is an entry in ClinVar:

NM_004366.6(CLCN2):c.1222C>T (p.Arg408Cys)

Gene: CLCN2 (chloride voltage-gated channel 2; minus strand). Cytogenetic location: 3q27.1.
Variant type: single nucleotide variant.
Coding change: c.1222C>T on transcript NM_004366.6 (MANE Select); coding-DNA position 1222, C replaced by T.
Protein change: p.Arg408Cys; replaces arginine 408 with cysteine.
Molecular consequence: missense variant.
Genome position (GRCh38, 1-based): chr3:184,355,478, G>A on the plus strand (C>T on the coding strand, the complement: CLCN2 is on the minus strand). VCF-style: chr3-184355478-G-A. GRCh37 (hg19) VCF-style: chr3-184073266-G-A.
Other names: c.1222C>T, p.Arg408Cys (NM_001171087.3, NM_001171089.3); c.1090C>T, p.Arg364Cys (NM_001171088.3); short protein forms R364C, R408C.
Identifiers: ClinVar variation 2079677 (VCV002079677.4), dbSNP rs1728477758, ClinGen allele CA355452673.

ClinVar aggregate classification (germline): Uncertain significance (1 of 4 stars; one submission).

Allele frequency attached by ClinVar (database versions not stated): gnomAD exomes below 0.00001; TOPMed below 0.00001.
gnomAD v4.1: 5 of 1,614,070 alleles (0.00031%); highest among the groups gnomAD compares: South Asian, 0.0022%; no homozygotes.

Submission:

Labcorp Genetics (formerly Invitae), Labcorp
Classification: Uncertain significance. Last evaluated: 2023-09-23. Review status: criteria provided, single submitter. Criteria: Invitae Variant Classification Sherloc (09022015). Collection method: clinical testing. Allele origin: germline.
Comment: This sequence change replaces arginine, which is basic and polar, with cysteine, which is neutral and slightly polar, at codon 408 of the CLCN2 protein (p.Arg408Cys). This variant is not present in population databases (gnomAD no frequency). This variant has not been reported in the literature in individuals affected with CLCN2-related conditions. ClinVar contains an entry for this variant (Variation ID: 2079677). Advanced modeling of protein sequence and biophysical properties (such as structural, functional, and spatial information, amino acid conservation, physicochemical variation, residue mobility, and thermodynamic stability) performed at Invitae indicates that this missense variant is expected to disrupt CLCN2 protein function. In summary, the available evidence is currently insufficient to determine the role of this variant in disease. Therefore, it has been classified as a Variant of Uncertain Significance.